The following is an entry in ClinVar:

NM_001080467.3(MYO5B):c.3945C>G (p.Ser1315Arg)

Gene: MYO5B (myosin VB; minus strand). Cytogenetic location: 18q21.1.
Variant type: single nucleotide variant.
Coding change: c.3945C>G on transcript NM_001080467.3 (MANE Select); coding-DNA position 3945, C replaced by G.
Protein change: p.Ser1315Arg; replaces serine 1315 with arginine.
Molecular consequence: missense variant.
Genome position (GRCh38, 1-based): chr18:49,856,890, G>C on the plus strand (C>G on the coding strand, the complement: MYO5B is on the minus strand). VCF-style: chr18-49856890-G-C. GRCh37 (hg19) VCF-style: chr18-47383260-G-C.
Other names: short protein forms S1315R.
Identifiers: ClinVar variation 2180509 (VCV002180509.4), dbSNP rs771017781, ClinGen allele CA8960500.

ClinVar aggregate classification (germline): Uncertain significance (1 of 4 stars; one submission).

Allele frequency attached by ClinVar (database versions not stated): gnomAD exomes below 0.00001; TOPMed below 0.00001; gnomAD 0.00001.
gnomAD v4.1: 6 of 1,613,654 alleles (0.00037%); highest among the groups gnomAD compares: Middle Eastern, 0.033%; no homozygotes.

Submission:

Labcorp Genetics (formerly Invitae), Labcorp
Classification: Uncertain significance. Last evaluated: 2022-09-01. Review status: criteria provided, single submitter. Criteria: Invitae Variant Classification Sherloc (09022015). Collection method: clinical testing. Allele origin: germline.
Comment: In summary, the available evidence is currently insufficient to determine the role of this variant in disease. Therefore, it has been classified as a Variant of Uncertain Significance. Algorithms developed to predict the effect of sequence changes on RNA splicing suggest that this variant may create or strengthen a splice site. Algorithms developed to predict the effect of missense changes on protein structure and function output the following: SIFT: "Deleterious"; PolyPhen-2: "Benign"; Align-GVGD: "Class C0". The arginine amino acid residue is found in multiple mammalian species, which suggests that this missense change does not adversely affect protein function. This variant has not been reported in the literature in individuals affected with MYO5B-related conditions. This variant is present in population databases (rs771017781, gnomAD 0.01%). This sequence change replaces serine, which is neutral and polar, with arginine, which is basic and polar, at codon 1315 of the MYO5B protein (p.Ser1315Arg).